The following is an entry in ClinVar:

NM_001366385.1(CARD14):c.1190G>A (p.Cys397Tyr)

Gene: CARD14 (caspase recruitment domain family member 14; plus strand). Cytogenetic location: 17q25.3.
Variant type: single nucleotide variant.
Coding change: c.1190G>A on transcript NM_001366385.1 (MANE Select); coding-DNA position 1190, G replaced by A.
Protein change: p.Cys397Tyr; replaces cysteine 397 with tyrosine.
Molecular consequence: missense variant. On other transcripts: non-coding transcript variant (1).
Genome position (GRCh38, 1-based): chr17:80,191,423, G>A. VCF-style: chr17-80191423-G-A. GRCh37 (hg19) VCF-style: chr17-78165222-G-A.
Other names: c.1190G>A (NM_024110.3); c.1190G>A, p.Cys397Tyr (NM_001257970.1, NM_024110.4); c.479G>A, p.Cys160Tyr (NM_052819.3); short protein forms C160Y, C397Y.
Identifiers: ClinVar variation 3749576 (VCV003749576.3).
Genomic context (GRCh38, chr17:80,191,423, plus strand): 5'-AGAGCCTGGTGGAGAAGGACTCCCTCCGCAGGCAGGTGTTCGAGCTGACGGACCAGGTCT[G>A]CGAGCTGCGCACACAGCTTCGCCAGCTGCAGGCAGAGCCTCCGGGTGTGGTGAGTGTTCC-3'
Protein context (NP_001353314.1, residues 387-407): RQVFELTDQV[Cys397Tyr]ELRTQLRQLQ

ClinVar aggregate classification (germline): Uncertain significance. Review status: criteria provided, multiple submitters, no conflicts (2 of 4 stars). 2 submissions from 2 submitters: Uncertain significance (2). Last evaluated 2025-12-21.

Conditions:
Inborn genetic diseases. Identifiers: MedGen C0950123, MeSH D030342.
Pityriasis rubra pilaris (PRP). Also called: Pityriasis rubra pilaris--familial type. Identifiers: Orphanet 2897, MedGen C0032027, MONDO:0100017, OMIM 173200, MONDO:0008251.
Psoriasis 2. Identifiers: MedGen C1864497, MONDO:0011269, OMIM 602723.

gnomAD v4.1: 3 of 1,613,630 alleles (0.00019%); highest among the groups gnomAD compares: African/African-American, 0.004%; no homozygotes.

Submissions (2):

Labcorp Genetics (formerly Invitae), Labcorp
Classification: Uncertain significance for Pityriasis rubra pilaris; Psoriasis 2. Last evaluated: 2025-12-21. Review status: criteria provided, single submitter. Criteria: Invitae Variant Classification Sherloc (09022015). Collection method: clinical testing. Allele origin: germline.
Comment: This sequence change replaces cysteine, which is neutral and slightly polar, with tyrosine, which is neutral and polar, at codon 397 of the CARD14 protein (p.Cys397Tyr). This variant is present in population databases (no rsID available, gnomAD 0.01%). This variant has not been reported in the literature in individuals affected with CARD14-related conditions. ClinVar contains an entry for this variant (Variation ID: 3749576). Invitae Evidence Modeling of protein sequence and biophysical properties (such as structural, functional, and spatial information, amino acid conservation, physicochemical variation, residue mobility, and thermodynamic stability) indicates that this missense variant is not expected to disrupt CARD14 protein function with a negative predictive value of 95%. In summary, the available evidence is currently insufficient to determine the role of this variant in disease. Therefore, it has been classified as a Variant of Uncertain Significance.

Ambry Genetics
Classification: Uncertain significance for Inborn genetic diseases. Last evaluated: 2025-05-05. Review status: criteria provided, single submitter. Criteria: Ambry Variant Classification Scheme 2023. Collection method: clinical testing. Allele origin: germline.